The following is an entry in ClinVar:

NM_006231.4(POLE):c.2741C>G (p.Ala914Gly)

Gene: POLE (DNA polymerase epsilon, catalytic subunit; minus strand). Cytogenetic location: 12q24.33.
Variant type: single nucleotide variant.
Coding change: c.2741C>G on transcript NM_006231.4 (MANE Select); coding-DNA position 2741, C replaced by G.
Protein change: p.Ala914Gly; replaces alanine 914 with glycine.
Molecular consequence: missense variant.
Genome position (GRCh38, 1-based): chr12:132,661,650, G>C on the plus strand (C>G on the coding strand, the complement: POLE is on the minus strand). VCF-style: chr12-132661650-G-C. GRCh37 (hg19) VCF-style: chr12-133238236-G-C.
Other names: short protein forms A914G.
Identifiers: ClinVar variation 1433461 (VCV001433461.8), dbSNP rs2135949368, ClinGen allele CA387393954.

ClinVar aggregate classification (germline): Uncertain significance (1 of 4 stars; one submission).

Submission:

Labcorp Genetics (formerly Invitae), Labcorp
Classification: Uncertain significance. Last evaluated: 2021-07-17. Review status: criteria provided, single submitter. Criteria: Invitae Variant Classification Sherloc (09022015). Collection method: clinical testing. Allele origin: germline.
Comment: This sequence change replaces alanine with glycine at codon 914 of the POLE protein (p.Ala914Gly). The alanine residue is weakly conserved and there is a small physicochemical difference between alanine and glycine. This variant is not present in population databases (ExAC no frequency). This variant has not been reported in the literature in individuals affected with POLE-related conditions. Algorithms developed to predict the effect of missense changes on protein structure and function (SIFT, PolyPhen-2, Align-GVGD) all suggest that this variant is likely to be tolerated. Algorithms developed to predict the effect of sequence changes on RNA splicing suggest that this variant may create or strengthen a splice site. In summary, the available evidence is currently insufficient to determine the role of this variant in disease. Therefore, it has been classified as a Variant of Uncertain Significance.